The following is an entry in ClinVar:

ClinVar aggregate classification (germline): Uncertain significance (1 of 4 stars; one submission).

Conditions:
Neuropathy, hereditary sensory and autonomic, type 2A (HSAN2A). Also called: ACROOSTEOLYSIS, GIACCAI TYPE; ACROOSTEOLYSIS, NEUROGENIC; MORVAN DISEASE; NEUROPATHY, CONGENITAL SENSORY; NEUROPATHY, HEREDITARY SENSORY RADICULAR, AUTOSOMAL RECESSIVE; NEUROPATHY, HEREDITARY SENSORY, TYPE IIA. Identifiers: Orphanet 970, MedGen C2752089, MONDO:0024309, OMIM 201300.
Generalized epilepsy with febrile seizures plus, type 7 (GEFSP7). Also called: GEFS+, TYPE 7. Identifiers: Orphanet 36387, MedGen C2751778, MONDO:0013470, OMIM 613863.

Submission:

Labcorp Genetics (formerly Invitae), Labcorp
Classification: Uncertain significance for Neuropathy, hereditary sensory and autonomic, type 2A; Generalized epilepsy with febrile seizures plus, type 7. Last evaluated: 2023-10-18. Review status: criteria provided, single submitter. Criteria: Invitae Variant Classification Sherloc (09022015). Collection method: clinical testing. Allele origin: germline.
Comment: This sequence change creates a premature translational stop signal (p.Pro1932Glnfs*21) in the SCN9A gene. While this is not anticipated to result in nonsense mediated decay, it is expected to disrupt the last 46 amino acid(s) of the SCN9A protein. This variant is not present in population databases (gnomAD no frequency). This variant has not been reported in the literature in individuals affected with SCN9A-related conditions. Experimental studies and prediction algorithms are not available or were not evaluated, and the functional significance of this variant is currently unknown. In summary, the available evidence is currently insufficient to determine the role of this variant in disease. Therefore, it has been classified as a Variant of Uncertain Significance.

NM_001365536.1(SCN9A):c.5823_5827dup (p.Pro1943fs)

Genes: SCN1A-AS1 (SCN1A and SCN9A antisense RNA 1; plus strand), SCN9A (sodium voltage-gated channel alpha subunit 9; minus strand). Cytogenetic location: 2q24.3.
Variant type: Duplication.
Coding change: c.5823_5827dup on transcript NM_001365536.1 (MANE Select); coding-DNA positions 5823 to 5827, 5 bases duplicated (AAGTC; older notation c.5823_5827dupAAGTC).
Protein change: p.Pro1943fs; shifts the reading frame from proline 1943.
Molecular consequence: frameshift variant.
Genome position (GRCh38, 1-based): chr2:166,198,812-166,198,816, GACTT duplicated on the plus strand (AAGTC on the coding strand, the reverse complement: SCN9A is on the minus strand); duplicating any 5 consecutive bases within chr2:166,198,812-166,198,818 gives the same sequence; the c. name uses the placement nearest the transcript's 3' end. VCF-style (leftmost placement, unchanged base first): chr2-166198811-G-GGACTT. GRCh37 (hg19) VCF-style: chr2-167055321-G-GGACTT.
Other names: c.5788_5792dup, p.Pro1932Glnfs (NM_002977.4); short protein forms P1932fs, P1943fs.
Identifiers: ClinVar variation 2940302 (VCV002940302.3), dbSNP rs2468874104, ClinGen allele CA2740095875.